The following is an entry in ClinVar:

ClinVar aggregate classification (germline): Pathogenic. Review status: criteria provided, single submitter (1 of 4 stars). 2 submissions from 1 submitter: Pathogenic (2). Last evaluated 2016-10-03.

Conditions:
Marfan syndrome (MFS). Also called: Marfan syndrome, classic; Marfan syndrome type 1; Marfan's syndrome; MARFAN SYNDROME, TYPE I; FBN1-Related Marfan Syndrome. Identifiers: Orphanet 284963, Orphanet 558, MedGen C0024796, MONDO:0007947, OMIM 154700.
Familial thoracic aortic aneurysm and aortic dissection (TAAD). Also called: Thoracic aortic aneurysms and dissections. Identifiers: Orphanet 91387, MedGen C4707243, MONDO:0019625.

Submissions (2):

Labcorp Genetics (formerly Invitae), Labcorp
Classification: Pathogenic for Marfan syndrome. Last evaluated: 2016-10-03. Review status: criteria provided, single submitter. Criteria: Invitae Variant Classification Sherloc (09022015). Collection method: clinical testing. Allele origin: germline.
Comment: This sequence change inserts 1 nucleotide in exon 62 of the FBN1 mRNA (c.7650_7651insA), causing a frameshift at codon 2551. This creates a premature translational stop signal (p.Glu2551Argfs*9) and is expected to result in an absent or disrupted protein product. While this particular variant has not been reported in the literature, loss-of-function variants in FBN1 are known to be pathogenic (PMID: 17657824, 19293843). For these reasons, this variant has been classified as Pathogenic.

Labcorp Genetics (formerly Invitae), Labcorp
Classification: Pathogenic for Marfan syndrome; Familial thoracic aortic aneurysm and aortic dissection. Last evaluated: 2016-10-03. Review status: criteria provided, single submitter. Criteria: Invitae Variant Classification Sherloc (09022015). Collection method: clinical testing. Allele origin: germline.
Comment: For these reasons, this variant has been classified as Pathogenic. While this particular variant has not been reported in the literature, loss-of-function variants in FBN1 are known to be pathogenic (PMID: 17657824, 19293843). This sequence change inserts 1 nucleotide in exon 62 of the FBN1 mRNA (c.7650_7651insA), causing a frameshift at codon 2551. This creates a premature translational stop signal (p.Glu2551Argfs*9) and is expected to result in an absent or disrupted protein product.

Literature cited by the submitters: PubMed 17657824; PubMed 19293843.

NM_000138.5(FBN1):c.7650_7651insA (p.Glu2551fs)

Gene: FBN1 (fibrillin 1; minus strand). Cytogenetic location: 15q21.1.
Variant type: Insertion.
Coding change: c.7650_7651insA on transcript NM_000138.5 (MANE Select); coding-DNA positions 7650 to 7651, A inserted.
Protein change: p.Glu2551fs; shifts the reading frame from glutamic acid 2551.
Molecular consequence: frameshift variant.
Genome position: GRCh38 VCF-style: chr15-48421606-C-CT. GRCh37 (hg19) VCF-style: chr15-48713803-C-CT.
Other names: short protein forms E2551fs.
Identifiers: ClinVar variation 406300 (VCV000406300.7), dbSNP rs1060501042, ClinGen allele CA16614783.
Genomic context (GRCh38, chr15:48,421,606, plus strand): 5'-GTCTCCACCCACCTTCACAGCTGGAGCCGGTCTGATCAAGTGAGAATCCCCGCTGGCATT[C>CT]ACAGGTGAAGCTTCCAGGAGTGTTCTGGCAAATGCCCTTAGACCCGCACAGATTGATGTC-3'